The following is an entry in ClinVar:

NM_001377295.2(GNAT2):c.906C>A (p.Tyr302Ter)

Gene: GNAT2 (G protein subunit alpha transducin 2; minus strand). Cytogenetic location: 1p13.3.
Variant type: single nucleotide variant.
Coding change: c.906C>A on transcript NM_001377295.2 (MANE Select); coding-DNA position 906, C replaced by A.
Protein change: p.Tyr302Ter; replaces tyrosine 302 with a stop codon.
Molecular consequence: nonsense.
Genome position (GRCh38, 1-based): chr1:109,603,513, G>T on the plus strand (C>A on the coding strand, the complement: GNAT2 is on the minus strand). VCF-style: chr1-109603513-G-T. GRCh37 (hg19) VCF-style: chr1-110146135-G-T.
Other names: c.906C>A, p.Tyr302Ter (NM_001379232.1, NM_005272.5); short protein forms Y302*.
Identifiers: ClinVar variation 438058 (VCV000438058.2), dbSNP rs1553226355, ClinGen allele CA341532697.

ClinVar aggregate classification (germline): Likely pathogenic (0 of 4 stars; one submission).

Conditions:
Abnormality of the eye. Identifiers: MedGen C4316870, HP:0000478.

Submission:

NIHR Bioresource Rare Diseases, University of Cambridge
Classification: Likely pathogenic for Disorder of eye. Last evaluated: 2015-01-01. Review status: no assertion criteria provided. Collection method: research. Allele origin: unknown. Affected: yes. Observed: 1 variant allele.
Comment: Undetermined rare ocular disorder with frequency of less than eight patients

Literature cited by the submitters: PubMed 28041643.